The following is an entry in ClinVar:

ClinVar aggregate classification (germline): Uncertain significance (1 of 4 stars; one submission).

Conditions:
PKD1-related disorder. Also called: PKD1-related condition.

Allele frequency attached by ClinVar (database versions not stated): gnomAD exomes below 0.00001; TOPMed below 0.00001; gnomAD 0.00001.
gnomAD v4.1: 5 of 1,590,192 alleles (0.00031%); highest among the groups gnomAD compares: Admixed American, 0.0018%; no homozygotes.

Submission:

PreventionGenetics, part of Exact Sciences
Classification: Uncertain significance for PKD1-related condition. Last evaluated: 2023-06-06. Review status: criteria provided, single submitter. Criteria: ACMG Guidelines, 2015. Collection method: clinical testing. Allele origin: germline.
Comment: The PKD1 c.848C>T variant is predicted to result in the amino acid substitution p.Pro283Leu. This variant has been reported in an individual with autosomal dominant polycystic kidney disease (ADPKD), however, the individual also had a truncating variant in PKD2 (Supplementary Table S2, Fujimaru et al. 2018. PubMed ID: 29520754). This variant is reported in 1 out of ~201,000 alleles in gnomAD. At this time, the clinical significance of this variant is uncertain due to the absence of conclusive functional and genetic evidence.

NM_001009944.3(PKD1):c.848C>T (p.Pro283Leu)

Gene: PKD1 (polycystin 1, transient receptor potential channel interacting; minus strand). Cytogenetic location: 16p13.3.
Variant type: single nucleotide variant.
Coding change: c.848C>T on transcript NM_001009944.3 (MANE Select); coding-DNA position 848, C replaced by T.
Protein change: p.Pro283Leu; replaces proline 283 with leucine.
Molecular consequence: missense variant.
Genome position (GRCh38, 1-based): chr16:2,118,144, G>A on the plus strand (C>T on the coding strand, the complement: PKD1 is on the minus strand). VCF-style: chr16-2118144-G-A. GRCh37 (hg19) VCF-style: chr16-2168145-G-A.
Other names: c.848C>T, p.Pro283Leu (NM_000296.4); short protein forms P283L.
Identifiers: ClinVar variation 2632335 (VCV002632335.1), dbSNP rs1433099539, ClinGen allele CA394394019.